The following is an entry in ClinVar:

ClinVar aggregate classification (germline): Uncertain significance (1 of 4 stars; one submission).

Conditions:
Alstrom syndrome (ALMS). Identifiers: Orphanet 64, MedGen C0268425, MONDO:0008763, OMIM 203800.

gnomAD v4.1: 4 of 1,613,912 alleles (0.00025%); highest among the groups gnomAD compares: Admixed American, 0.005%; no homozygotes.

Submission:

Labcorp Genetics (formerly Invitae), Labcorp
Classification: Uncertain significance for Alstrom syndrome. Last evaluated: 2022-03-18. Review status: criteria provided, single submitter. Criteria: Invitae Variant Classification Sherloc (09022015). Collection method: clinical testing. Allele origin: germline.
Comment: This sequence change replaces glycine, which is neutral and non-polar, with aspartic acid, which is acidic and polar, at codon 1002 of the ALMS1 protein (p.Gly1002Asp). This variant is present in population databases (no rsID available, gnomAD 0.003%). This variant has not been reported in the literature in individuals affected with ALMS1-related conditions. Experimental studies and prediction algorithms are not available or were not evaluated, and the functional significance of this variant is currently unknown. In summary, the available evidence is currently insufficient to determine the role of this variant in disease. Therefore, it has been classified as a Variant of Uncertain Significance.

NM_001378454.1(ALMS1):c.3002G>A (p.Gly1001Asp)

Gene: ALMS1 (ALMS1 centrosome and basal body associated protein; plus strand). Cytogenetic location: 2p13.1.
Variant type: single nucleotide variant.
Coding change: c.3002G>A on transcript NM_001378454.1 (MANE Select); coding-DNA position 3002, G replaced by A.
Protein change: p.Gly1001Asp; replaces glycine 1001 with aspartic acid.
Molecular consequence: missense variant.
Genome position (GRCh38, 1-based): chr2:73,449,529, G>A. VCF-style: chr2-73449529-G-A. GRCh37 (hg19) VCF-style: chr2-73676656-G-A.
Other names: c.3005G>A, p.Gly1002Asp (NM_015120.4); short protein forms G1001D, G1002D.
Identifiers: ClinVar variation 1401068 (VCV001401068.3), dbSNP rs773630367, ClinGen allele CA347273388.